The following is an entry in ClinVar:

ClinVar aggregate classification (germline): Uncertain significance (1 of 4 stars; one submission).

Conditions:
Neuroblastoma, susceptibility to, 3. Also called: ALK-Related Neuroblastic Tumor Susceptibility. Identifiers: Orphanet 635, MedGen C2751681, MONDO:0013083, OMIM 613014.

Submission:

Labcorp Genetics (formerly Invitae), Labcorp
Classification: Uncertain significance for Neuroblastoma, susceptibility to, 3. Last evaluated: 2024-04-15. Review status: criteria provided, single submitter. Criteria: Invitae Variant Classification Sherloc (09022015). Collection method: clinical testing. Allele origin: germline.
Comment: This sequence change replaces alanine, which is neutral and non-polar, with glycine, which is neutral and non-polar, at codon 782 of the ALK protein (p.Ala782Gly). This variant is not present in population databases (gnomAD no frequency). This variant has not been reported in the literature in individuals affected with ALK-related conditions. ClinVar contains an entry for this variant (Variation ID: 1388505). An algorithm developed to predict the effect of missense changes on protein structure and function (PolyPhen-2) suggests that this variant is likely to be disruptive. In summary, the available evidence is currently insufficient to determine the role of this variant in disease. Therefore, it has been classified as a Variant of Uncertain Significance.

NM_004304.5(ALK):c.2345C>G (p.Ala782Gly)

Gene: ALK (ALK receptor tyrosine kinase; minus strand). Cytogenetic location: 2p23.2.
Variant type: single nucleotide variant.
Coding change: c.2345C>G on transcript NM_004304.5 (MANE Select); coding-DNA position 2345, C replaced by G.
Protein change: p.Ala782Gly; replaces alanine 782 with glycine.
Molecular consequence: missense variant.
Genome position (GRCh38, 1-based): chr2:29,239,690, G>C on the plus strand (C>G on the coding strand, the complement: ALK is on the minus strand). VCF-style: chr2-29239690-G-C. GRCh37 (hg19) VCF-style: chr2-29462556-G-C.
Other names: short protein forms A782G.
Identifiers: ClinVar variation 1388505 (VCV001388505.8), dbSNP rs769390697, ClinGen allele CA346474202.